The following is an entry in ClinVar:

NM_001042492.3(NF1):c.8376A>C (p.Pro2792=)

Gene: NF1 (neurofibromin 1; plus strand). Cytogenetic location: 17q11.2.
Variant type: single nucleotide variant.
Coding change: c.8376A>C on transcript NM_001042492.3 (MANE Select); coding-DNA position 8376, A replaced by C.
Protein change: p.Pro2792=; no amino-acid change (proline 2792 retained).
Molecular consequence: synonymous variant.
Genome position (GRCh38, 1-based): chr17:31,360,702, A>C. VCF-style: chr17-31360702-A-C. GRCh37 (hg19) VCF-style: chr17-29687720-A-C.
Other names: c.8313A>C, p.Pro2771= (NM_000267.4).
Identifiers: ClinVar variation 457870 (VCV000457870.14), dbSNP rs1028961967, ClinGen allele CA289711215.
Genomic context (GRCh38, chr17:31,360,702, plus strand): 5'-CACTGCCAACCTTAACCTTTCTAATTCCATGACCTCACTTGCAACTTCCCAGCATTCCCC[A>C]GGTCAGTAAATGTGATCTTTATATGACTTTGAGCAACAATATAAGACACCAACATTAGGA-3'
Protein context (NP_001035957.1, residues 2782-2802): MTSLATSQHS[Pro2792=]GIDKENVELS

ClinVar aggregate classification (germline): Conflicting classifications of pathogenicity. Review status: criteria provided, conflicting classifications (1 of 4 stars). 3 submissions from 3 submitters: Uncertain significance (1); Benign (1); Likely benign (1). Last evaluated 2025-12-31.

Conditions:
Hereditary cancer-predisposing syndrome. Also called: Neoplastic Syndromes, Hereditary; Tumor predisposition; Hereditary neoplastic syndrome; Hereditary Cancer Syndrome. Identifiers: Orphanet 140162, MedGen C0027672, MeSH D009386, MONDO:0015356.
Cardiovascular phenotype. Identifiers: MedGen CN230736.
Neurofibromatosis, type 1 (NF1). Also called: Peripheral type neurofibromatosis; VON RECKLINGHAUSEN DISEASE; NEUROFIBROMATOSIS, TYPE I, SOMATIC; Neurofibromatosis, type I. Identifiers: Orphanet 636, MedGen C0027831, MONDO:0018975, OMIM 162200. Disease mechanism: loss of function.

Allele frequency attached by ClinVar (database versions not stated): gnomAD exomes below 0.00001; TOPMed below 0.00001.
gnomAD v4.1: 4 of 1,609,268 alleles (0.00025%); highest among the groups gnomAD compares: Non-Finnish European, 0.00026%; no homozygotes.

Submissions (3):

Labcorp Genetics (formerly Invitae), Labcorp
Classification: Benign for Neurofibromatosis, type 1. Last evaluated: 2025-12-31. Review status: criteria provided, single submitter. Criteria: Invitae Variant Classification Sherloc (09022015). Collection method: clinical testing. Allele origin: germline.

GeneDx
Classification: Uncertain significance. Last evaluated: 2023-12-20. Review status: criteria provided, single submitter. Criteria: GeneDx Variant Classification Process June 2021. Collection method: clinical testing. Allele origin: germline.
Comment: Not observed at significant frequency in large population cohorts (gnomAD); Has not been previously published as pathogenic or benign to our knowledge; In silico analysis is inconclusive as to whether the variant alters gene splicing. In the absence of RNA/functional studies, the actual effect of this sequence change is unknown.; This variant is associated with the following publications: (PMID: 29604063)

Ambry Genetics
Classification: Likely benign for Cardiovascular phenotype; Hereditary cancer-predisposing syndrome. Last evaluated: 2017-05-31. Review status: criteria provided, single submitter. Criteria: Ambry Variant Classification Scheme 2023. Collection method: clinical testing. Allele origin: germline.